The following is an entry in ClinVar:

NM_001184.4(ATR):c.7585G>A (p.Glu2529Lys)

Gene: ATR (ATR checkpoint kinase; minus strand). Cytogenetic location: 3q23.
Variant type: single nucleotide variant.
Coding change: c.7585G>A on transcript NM_001184.4 (MANE Select); coding-DNA position 7585, G replaced by A.
Protein change: p.Glu2529Lys; replaces glutamic acid 2529 with lysine.
Molecular consequence: missense variant.
Genome position (GRCh38, 1-based): chr3:142,457,674, C>T on the plus strand (G>A on the coding strand, the complement: ATR is on the minus strand). VCF-style: chr3-142457674-C-T. GRCh37 (hg19) VCF-style: chr3-142176516-C-T.
Other names: c.7393G>A, p.Glu2465Lys (NM_001354579.2); short protein forms E2465K, E2529K.
Identifiers: ClinVar variation 2624928 (VCV002624928.2), dbSNP rs2473033223, ClinGen allele CA354795104.
Genomic context (GRCh38, chr3:142,457,674, plus strand): 5'-GCTCTCGCTGATCACGCATCAGCCTCATTGTAACTTCACATGCTCTTCGAAAAAGACCCT[C>T]TGTTCCCATAGGACCCATTCCATTAACCATATTATGAGTCAGGCGAAATGGCACAATTTC-3'
Protein context (NP_001175.2, residues 2519-2539): MVNGMGPMGT[Glu2529Lys]GLFRRACEVT

ClinVar aggregate classification (germline): Uncertain significance (1 of 4 stars; one submission).

Conditions:
Inborn genetic diseases. Identifiers: MedGen C0950123, MeSH D030342.

Submission:

Ambry Genetics
Classification: Uncertain significance for Inborn genetic diseases. Last evaluated: 2023-09-13. Review status: criteria provided, single submitter. Criteria: Ambry Variant Classification Scheme 2023. Collection method: clinical testing. Allele origin: germline.
Comment: The p.E2529K variant (also known as c.7585G>A), located in coding exon 45 of the ATR gene, results from a G to A substitution at nucleotide position 7585. The glutamic acid at codon 2529 is replaced by lysine, an amino acid with similar properties. This amino acid position is conserved. In addition, this alteration is predicted to be deleterious by in silico analysis. Since supporting evidence is limited at this time, the clinical significance of this alteration remains unclear.